The following is an entry in ClinVar:

NM_000517.6(HBA2):c.96-51_103del

Genes: HBA2 (hemoglobin subunit alpha 2; plus strand), LOC106804612 (hemoglobin subunit alpha 2 recombination region; plus strand). Cytogenetic location: 16p13.3.
Variant type: Deletion.
Coding change: c.96-51_103del on transcript NM_000517.6 (MANE Select); 51 bases into the intron before coding-DNA position 96 through coding-DNA position 103, 59 bases deleted.
Molecular consequence: splice acceptor variant.
Genome position (GRCh38, 1-based): chr16:173,074-173,132, 59 bases deleted. GRCh37 (hg19): chr16:223,073-223,131.
Identifiers: ClinVar variation 4818693 (VCV004818693.1).

ClinVar aggregate classification (germline): Pathogenic (1 of 4 stars; one submission).

Conditions:
alpha Thalassemia. Also called: Alpha thalassemia spectrum. Identifiers: Orphanet 846, MedGen C0002312, MONDO:0011399, OMIM 604131.

Submission:

Natera, Inc.
Classification: Pathogenic for Alpha thalassemia. Last evaluated: 2025-12-30. Review status: criteria provided, single submitter. Criteria: Natera Variant Classification Schema (03/2026). Collection method: clinical testing. Allele origin: germline.
Comment: The c.96-51_103del variant in HBA2 is a frameshift variant predicted to shift the reading frame and introduce a stop codon. This variant is expected to result in nonsense mediated decay, truncation, or a dysfunctional protein product. This variant is rare in the general population with a frequency below the threshold expected for the associated phenotype(s). Another variant at this same site results in an alteration predicted to cause a similar molecular effect has been observed in individual(s) with the associated phenotype. Given the available evidence, this variant is classified as Pathogenic.